The following is an entry in ClinVar:

NM_000393.5(COL5A2):c.3222G>A (p.Gly1074=)

Gene: COL5A2 (collagen type V alpha 2 chain; minus strand). Cytogenetic location: 2q32.2.
Variant type: single nucleotide variant.
Coding change: c.3222G>A on transcript NM_000393.5 (MANE Select); coding-DNA position 3222, G replaced by A.
Protein change: p.Gly1074=; no amino-acid change (glycine 1074 retained).
Molecular consequence: synonymous variant.
Genome position (GRCh38, 1-based): chr2:189,045,887, C>T on the plus strand (G>A on the coding strand, the complement: COL5A2 is on the minus strand). VCF-style: chr2-189045887-C-T. GRCh37 (hg19) VCF-style: chr2-189910613-C-T.
Identifiers: ClinVar variation 264502 (VCV000264502.49), dbSNP rs149574060, ClinGen allele CA2022062.

ClinVar aggregate classification (germline): Likely benign. Review status: criteria provided, multiple submitters, no conflicts (2 of 4 stars). 4 submissions from 4 submitters: Likely benign (4). Last evaluated 2026-01-30.

Conditions:
Ehlers-Danlos syndrome, classic type, 1 (EDSCL1). Also called: EDS I; EHLERS-DANLOS SYNDROME, GRAVIS TYPE; EHLERS-DANLOS SYNDROME, SEVERE CLASSIC TYPE; Ehlers-Danlos syndrome, type 1; Ehlers-Danlos Syndrome, Classic Type, COL5A1-Related. Identifiers: MedGen C0268335, MONDO:0019567, OMIM 130000.
Familial thoracic aortic aneurysm and aortic dissection (TAAD). Also called: Thoracic aortic aneurysms and dissections. Identifiers: Orphanet 91387, MedGen C4707243, MONDO:0019625.

Allele frequency attached by ClinVar (database versions not stated): TOPMed 0.00002; gnomAD 0.00004 and 0.00005; ESP Exome Variant Server 0.00008; 1000 Genomes Project 30x 0.00016; 1000 Genomes Project 0.00020.
gnomAD v4.1: 52 of 1,614,108 alleles (0.0032%); highest among the groups gnomAD compares: East Asian, 0.0067%; no homozygotes.

Submissions (4):

Labcorp Genetics (formerly Invitae), Labcorp
Classification: Likely benign for Ehlers-Danlos syndrome, classic type, 1. Last evaluated: 2026-01-30. Review status: criteria provided, single submitter. Criteria: Invitae Variant Classification Sherloc (09022015). Collection method: clinical testing. Allele origin: germline.

CeGaT Center for Human Genetics Tuebingen
Classification: Likely benign. Last evaluated: 2022-12-01. Review status: criteria provided, single submitter. Criteria: CeGaT Center For Human Genetics Tuebingen Variant Classification Criteria Version 2. Collection method: clinical testing. Allele origin: germline. Affected: yes. Observed: 2 variant alleles.
Comment: COL5A2: BP4, BP7

GeneDx
Classification: Likely benign. Last evaluated: 2020-09-03. Review status: criteria provided, single submitter. Criteria: GeneDx Variant Classification Process June 2021. Collection method: clinical testing. Allele origin: germline. Affected: yes.

Ambry Genetics
Classification: Likely benign for Familial thoracic aortic aneurysm and aortic dissection. Last evaluated: 2015-11-22. Review status: criteria provided, single submitter. Criteria: Ambry Variant Classification Scheme 2023. Collection method: clinical testing. Allele origin: germline.